The following is an entry in ClinVar:

ClinVar aggregate classification (germline): Uncertain significance. Review status: criteria provided, multiple submitters, no conflicts (2 of 4 stars). 2 submissions from 2 submitters: Uncertain significance (2). Last evaluated 2025-09-26.

Conditions:
Hereditary cancer-predisposing syndrome. Also called: Neoplastic Syndromes, Hereditary; Tumor predisposition; Hereditary neoplastic syndrome; Hereditary Cancer Syndrome. Identifiers: Orphanet 140162, MedGen C0027672, MeSH D009386, MONDO:0015356.
Familial cancer of breast. Also called: hereditary breast carcinoma; BREAST CANCER, FAMILIAL; Hereditary breast cancer. Identifiers: Orphanet 227535, MedGen C0346153, MONDO:0016419, OMIM 114480. Disease mechanism: loss of function.

Submissions (2):

Ambry Genetics
Classification: Uncertain significance for Hereditary cancer-predisposing syndrome. Last evaluated: 2025-09-26. Review status: criteria provided, single submitter. Criteria: Ambry Variant Classification Scheme 2023. Collection method: clinical testing. Allele origin: germline.
Comment: The p.S42P variant (also known as c.124T>C), located in coding exon 1 of the CHEK2 gene, results from a T to C substitution at nucleotide position 124. The serine at codon 42 is replaced by proline, an amino acid with similar properties. This amino acid position is conserved. In addition, the in silico prediction for this alteration is inconclusive. Based on the available evidence, the clinical significance of this variant remains unclear.

Labcorp Genetics (formerly Invitae), Labcorp
Classification: Uncertain significance for Familial cancer of breast. Last evaluated: 2024-04-07. Review status: criteria provided, single submitter. Criteria: Invitae Variant Classification Sherloc (09022015). Collection method: clinical testing. Allele origin: germline.
Comment: This sequence change replaces serine, which is neutral and polar, with proline, which is neutral and non-polar, at codon 42 of the CHEK2 protein (p.Ser42Pro). This variant is not present in population databases (gnomAD no frequency). This variant has not been reported in the literature in individuals affected with CHEK2-related conditions. An algorithm developed to predict the effect of missense changes on protein structure and function (PolyPhen-2) suggests that this variant is likely to be disruptive. In summary, the available evidence is currently insufficient to determine the role of this variant in disease. Therefore, it has been classified as a Variant of Uncertain Significance.

NM_007194.4(CHEK2):c.124T>C (p.Ser42Pro)

Gene: CHEK2 (checkpoint kinase 2; minus strand). Cytogenetic location: 22q12.1.
Variant type: single nucleotide variant.
Coding change: c.124T>C on transcript NM_007194.4 (MANE Select); coding-DNA position 124, T replaced by C.
Protein change: p.Ser42Pro; replaces serine 42 with proline.
Molecular consequence: missense variant.
Genome position (GRCh38, 1-based): chr22:28,734,598, A>G on the plus strand (T>C on the coding strand, the complement: CHEK2 is on the minus strand). VCF-style: chr22-28734598-A-G. GRCh37 (hg19) VCF-style: chr22-29130586-A-G.
Other names: c.124T>C (NM_007194.3); c.124T>C, p.Ser42Pro (NM_001005735.3, NM_001349956.3, NM_145862.3); c.-654T>C (NM_001257387.3); short protein forms S42P.
Identifiers: ClinVar variation 3649056 (VCV003649056.3).